The following is an entry in ClinVar:

NM_003588.4(CUL4B):c.29A>C (p.Asp10Ala)

Gene: CUL4B (cullin 4B; minus strand). Cytogenetic location: Xq24.
Variant type: single nucleotide variant.
Coding change: c.29A>C on transcript NM_003588.4; coding-DNA position 29, A replaced by C.
Protein change: p.Asp10Ala; replaces aspartic acid 10 with alanine.
Molecular consequence: missense variant.
Genome position (GRCh38, 1-based): chrX:120,574,589, T>G on the plus strand (A>C on the coding strand, the complement: CUL4B is on the minus strand). VCF-style: chrX-120574589-T-G. GRCh37 (hg19) VCF-style: chrX-119708444-T-G.
Other names: short protein forms D10A.
Identifiers: ClinVar variation 1699392 (VCV001699392.3), dbSNP rs2147360370, ClinGen allele CA414207422.

ClinVar aggregate classification (germline): Uncertain significance (1 of 4 stars; one submission).

Conditions:
X-linked intellectual disability Cabezas type (MRXSC). Also called: MENTAL RETARDATION, X-LINKED, SYNDROMIC 15; Intellectual developmental disorder, X-linked syndromic, Cabezas type; CABEZAS SYNDROME. Identifiers: Orphanet 85289, Orphanet 85293, MedGen C1845861, MONDO:0010306, OMIM 300354.

Allele frequency attached by ClinVar (database versions not stated): gnomAD exomes below 0.00001.
gnomAD v4.1: 2 of 1,207,885 alleles (0.00017%); highest among the groups gnomAD compares: South Asian, 0.0035%; no homozygotes.

Submission:

Victorian Clinical Genetics Services, Murdoch Childrens Research Institute
Classification: Uncertain significance for X-linked intellectual disability Cabezas type. Last evaluated: 2022-09-02. Review status: criteria provided, single submitter. Criteria: ACMG Guidelines, 2015. Collection method: clinical testing. Allele origin: germline. Inheritance: X-linked recessive inheritance. Affected: yes.
Comment: A hemizygous missense variant was identified, NM_003588.3(CUL4B):c.29A>C in exon 2 of 22 of the CUL4B gene. This substitution is predicted to create a major amino acid change from an aspartic acid to an alanine at position 10 of the protein, NP_003579.3(CUL4B):p.(Asp10Ala). The aspartic acid at this position has low conservation (100 vertebrates, UCSC), and is not situated in a known functional domain. In silico software predicts this variant to be tolerated (Polyphen, SIFT, CADD, Mutation Taster) and the variant is not present in the gnomAD population database. The variant has not been previously reported in clinical cases. Based on information available at the time of curation, this variant has been classified as a VUS with LOW CLINICAL RELEVANCE.